The following is an entry in ClinVar:

ClinVar aggregate classification (germline): Uncertain significance (1 of 4 stars; one submission).

Submission:

Greenwood Genetic Center Diagnostic Laboratories, Greenwood Genetic Center
Classification: Uncertain significance. Last evaluated: 2026-04-08. Review status: criteria provided, single submitter. Criteria: ACMG Guidelines, 2015. Collection method: clinical testing. Allele origin: germline.
Comment: PM1, PM2

NM_003900.5(SQSTM1):c.1255A>C (p.Thr419Pro)

Gene: SQSTM1 (sequestosome 1; plus strand). Cytogenetic location: 5q35.3.
Variant type: single nucleotide variant.
Coding change: c.1255A>C on transcript NM_003900.5 (MANE Select); coding-DNA position 1255, A replaced by C.
Protein change: p.Thr419Pro; replaces threonine 419 with proline.
Molecular consequence: missense variant.
Genome position (GRCh38, 1-based): chr5:179,836,525, A>C. VCF-style: chr5-179836525-A-C. GRCh37 (hg19) VCF-style: chr5-179263525-A-C.
Other names: c.1003A>C, p.Thr335Pro (NM_001142298.2, NM_001142299.2); short protein forms T335P, T419P.
Identifiers: ClinVar variation 4891201 (VCV004891201.1).